The following is an entry in ClinVar:

ClinVar aggregate classification (germline): Uncertain significance. Review status: criteria provided, multiple submitters, no conflicts (2 of 4 stars). 3 submissions from 3 submitters: Uncertain significance (3). Last evaluated 2024-12-02.

Conditions:
Autosomal recessive limb-girdle muscular dystrophy type 2O. Also called: Limb-Girdle Muscular Dystrophy Type 3C; MUSCULAR DYSTROPHY-DYSTROGLYCANOPATHY (LIMB-GIRDLE), TYPE C, 3; MUSCULAR DYSTROPHY-DYSTROGLYCANOPATHY, LIMB-GIRDLE, POMGNT1-RELATED. Identifiers: Orphanet 206564, MedGen C3150417, MONDO:0013161, OMIM 613157.
Muscular dystrophy-dystroglycanopathy (congenital with impaired intellectual development), type B, 3. Also called: Muscular dystrophy-dystroglycanopathy (congenital with intellectual disability), type B3; MUSCULAR DYSTROPHY, CONGENITAL, POMGNT1-RELATED. Identifiers: MedGen C3150412, MONDO:0013155, OMIM 613151.
Inborn genetic diseases. Identifiers: MedGen C0950123, MeSH D030342.

Allele frequency attached by ClinVar (database versions not stated): TOPMed below 0.00001; gnomAD 0.00001; gnomAD exomes 0.00001.
gnomAD v4.1: 5 of 1,614,068 alleles (0.00031%); highest among the groups gnomAD compares: Admixed American, 0.0083%; no homozygotes.

Submissions (3):

Labcorp Genetics (formerly Invitae), Labcorp
Classification: Uncertain significance for Autosomal recessive limb-girdle muscular dystrophy type 2O; Muscular dystrophy-dystroglycanopathy (congenital with impaired intellectual development), type B, 3. Last evaluated: 2024-12-02. Review status: criteria provided, single submitter. Criteria: Invitae Variant Classification Sherloc (09022015). Collection method: clinical testing. Allele origin: germline.
Comment: This sequence change replaces alanine, which is neutral and non-polar, with threonine, which is neutral and polar, at codon 230 of the POMGNT1 protein (p.Ala230Thr). This variant is present in population databases (no rsID available, gnomAD 0.009%). This variant has not been reported in the literature in individuals affected with POMGNT1-related conditions. ClinVar contains an entry for this variant (Variation ID: 2086189). Invitae Evidence Modeling of protein sequence and biophysical properties (such as structural, functional, and spatial information, amino acid conservation, physicochemical variation, residue mobility, and thermodynamic stability) indicates that this missense variant is not expected to disrupt POMGNT1 protein function with a negative predictive value of 95%. In summary, the available evidence is currently insufficient to determine the role of this variant in disease. Therefore, it has been classified as a Variant of Uncertain Significance.

Ambry Genetics
Classification: Uncertain significance for Inborn genetic diseases. Last evaluated: 2024-10-09. Review status: criteria provided, single submitter. Criteria: Ambry Variant Classification Scheme 2023. Collection method: clinical testing. Allele origin: germline.

Blueprint Genetics
Classification: Uncertain significance. Last evaluated: 2021-11-04. Review status: criteria provided, single submitter. Criteria: ACMG Guidelines, 2015. Collection method: clinical testing. Allele origin: germline.

NM_017739.4(POMGNT1):c.688G>A (p.Ala230Thr)

Genes: POMGNT1 (protein O-linked mannose N-acetylglucosaminyltransferase 1 (beta 1,2-); minus strand), TSPAN1 (tetraspanin 1; plus strand). Cytogenetic location: 1p34.1.
Variant type: single nucleotide variant.
Coding change: c.688G>A on transcript NM_017739.4 (MANE Select); coding-DNA position 688, G replaced by A.
Protein change: p.Ala230Thr; replaces alanine 230 with threonine.
Molecular consequence: missense variant.
Genome position (GRCh38, 1-based): chr1:46,194,616, C>T on the plus strand (G>A on the coding strand, the complement: POMGNT1 is on the minus strand). VCF-style: chr1-46194616-C-T. GRCh37 (hg19) VCF-style: chr1-46660288-C-T.
Other names: c.688G>A, p.Ala230Thr (NM_001243766.2, NM_001410783.1); c.622G>A, p.Ala208Thr (NM_001290129.3); c.259G>A, p.Ala87Thr (NM_001290130.2); short protein forms A208T, A230T, A87T.
Identifiers: ClinVar variation 2086189 (VCV002086189.6), dbSNP rs1316080822, ClinGen allele CA340184296.
Genomic context (GRCh38, chr1:46,194,616, plus strand): 5'-CTGCTGAGCTCAATGGCACATCTGTCTTCAGCAGGACTGGGTCCCCCCAGGAAGAGAGGG[C>T]AGGTGATTTAGAATGTTTCTCCCCGAAGACAGGACCTGGCAGGAGGCAGGAATGAGGGCC-3'
Protein context (NP_060209.4, residues 220-240): VFGEKHSKSP[Ala230Thr]LSSWGDPVLL